The following is an entry in ClinVar:

ClinVar aggregate classification (germline): Uncertain significance (1 of 4 stars; one submission).

Submission:

Ambry Genetics
Classification: Uncertain significance. Last evaluated: 2024-03-30. Review status: criteria provided, single submitter. Criteria: Ambry Variant Classification Scheme 2023. Collection method: clinical testing. Allele origin: germline.
Comment: The p.P327T variant (also known as c.979C>A), located in coding exon 9 of the RAD54L gene, results from a C to A substitution at nucleotide position 979. The proline at codon 327 is replaced by threonine, an amino acid with highly similar properties. This amino acid position is conserved. In addition, this alteration is predicted to be deleterious by in silico analysis. Based on the available evidence, the clinical significance of this alteration remains unclear.

NM_003579.4(RAD54L):c.979C>A (p.Pro327Thr)

Gene: RAD54L (RAD54 like; plus strand). Cytogenetic location: 1p34.1.
Variant type: single nucleotide variant.
Coding change: c.979C>A on transcript NM_003579.4 (MANE Select); coding-DNA position 979, C replaced by A.
Protein change: p.Pro327Thr; replaces proline 327 with threonine.
Molecular consequence: missense variant.
Genome position (GRCh38, 1-based): chr1:46,267,546, C>A. VCF-style: chr1-46267546-C-A. GRCh37 (hg19) VCF-style: chr1-46733218-C-A.
Other names: c.979C>A, p.Pro327Thr (NM_001142548.2); c.439C>A, p.Pro147Thr (NM_001370766.1); short protein forms P147T, P327T.
Identifiers: ClinVar variation 3312452 (VCV003312452.1).
Genomic context (GRCh38, chr1:46,267,546, plus strand): 5'-CAGACTTACCAAGCCCTGGACAGCTTGAACACCAGCCGGCGGGTGCTCATCTCCGGAACT[C>A]CCATCCAGAATGATCTGCTTGAGTATTTCAGCTTGGTACATTTTGTTAATTCCGGCATCC-3'
Protein context (NP_003570.2, residues 317-337): TSRRVLISGT[Pro327Thr]IQNDLLEYFS